The following is an entry in ClinVar:

ClinVar aggregate classification (germline): Likely pathogenic (1 of 4 stars; one submission).

Allele frequency attached by ClinVar (database versions not stated): gnomAD 0.00001.

Submission:

GeneDx
Classification: Likely pathogenic. Last evaluated: 2022-12-07. Review status: criteria provided, single submitter. Criteria: GeneDx Variant Classification Process June 2021. Collection method: clinical testing. Allele origin: germline. Affected: yes.
Comment: Nonsense variant predicted to result in protein truncation, as the last 13 amino acids are lost, and other loss-of-function variants have been reported downstream in HGMD; Not observed at significant frequency in large population cohorts (gnomAD); This variant is associated with the following publications: (PMID: 23722637)

NM_007217.4(PDCD10):c.598C>T (p.Gln200Ter)

Gene: PDCD10 (programmed cell death 10; minus strand). Cytogenetic location: 3q26.1.
Variant type: single nucleotide variant.
Coding change: c.598C>T on transcript NM_007217.4 (MANE Select); coding-DNA position 598, C replaced by T.
Protein change: p.Gln200Ter; replaces glutamine 200 with a stop codon.
Molecular consequence: nonsense.
Genome position (GRCh38, 1-based): chr3:167,684,349, G>A on the plus strand (C>T on the coding strand, the complement: PDCD10 is on the minus strand). VCF-style: chr3-167684349-G-A. GRCh37 (hg19) VCF-style: chr3-167402137-G-A.
Other names: c.598C>T, p.Gln200Ter (NM_145859.2, NM_145860.2); short protein forms Q200*.
Identifiers: ClinVar variation 2504809 (VCV002504809.1), dbSNP rs1719342163, ClinGen allele CA355153875.